The following is an entry in ClinVar:

ClinVar aggregate classification (germline): Uncertain significance (1 of 4 stars; one submission).

Conditions:
Proteosome-associated autoinflammatory syndrome. Also called: Proteasome-associated autoinflammatory syndrome. Identifiers: Orphanet 324977, MedGen C1850568, MONDO:0009726.

Allele frequency attached by ClinVar (database versions not stated): gnomAD exomes below 0.00001; TOPMed below 0.00001.

Submission:

Labcorp Genetics (formerly Invitae), Labcorp
Classification: Uncertain significance for Proteosome-associated autoinflammatory syndrome. Last evaluated: 2021-07-28. Review status: criteria provided, single submitter. Criteria: Invitae Variant Classification Sherloc (09022015). Collection method: clinical testing. Allele origin: germline.
Comment: In summary, the available evidence is currently insufficient to determine the role of this variant in disease. Therefore, it has been classified as a Variant of Uncertain Significance. Algorithms developed to predict the effect of missense changes on protein structure and function output the following: SIFT: "Tolerated"; PolyPhen-2: "Benign"; Align-GVGD: "Class C0". The valine amino acid residue is found in multiple mammalian species, suggesting that this missense change does not adversely affect protein function. These predictions have not been confirmed by published functional studies and their clinical significance is uncertain. This variant has not been reported in the literature in individuals with PSMB8-related conditions. This variant is not present in population databases (ExAC no frequency). This sequence change replaces alanine with valine at codon 9 of the PSMB8 protein (p.Ala9Val). The alanine residue is weakly conserved and there is a small physicochemical difference between alanine and valine.

NM_148919.4(PSMB8):c.26C>T (p.Ala9Val)

Gene: PSMB8 (proteasome 20S subunit beta 8; minus strand). Cytogenetic location: 6p21.32.
Variant type: single nucleotide variant.
Coding change: c.26C>T on transcript NM_148919.4 (MANE Select); coding-DNA position 26, C replaced by T.
Protein change: p.Ala9Val; replaces alanine 9 with valine.
Molecular consequence: missense variant. On other transcripts: intron variant (1).
Genome position (GRCh38, 1-based): chr6:32,843,971, G>A on the plus strand (C>T on the coding strand, the complement: PSMB8 is on the minus strand). VCF-style: chr6-32843971-G-A. GRCh37 (hg19) VCF-style: chr6-32811748-G-A.
Other names: c.135+308C>T (NM_004159.5); short protein forms A9V.
Identifiers: ClinVar variation 1015163 (VCV001015163.9), dbSNP rs1770128124, ClinGen allele CA363589874.